The following is an entry in ClinVar:

ClinVar aggregate classification (germline): Pathogenic/Likely pathogenic. Review status: criteria provided, multiple submitters, no conflicts (2 of 4 stars). 9 submissions from 9 submitters: Pathogenic (7); Likely pathogenic (1). 1 of the submissions does not count toward it. Last evaluated 2026-09-25.

Conditions:
MYO7A-related disorder. Also called: MYO7A-related disorders.
Usher syndrome type 1 (USH1). Also called: RETINITIS PIGMENTOSA AND CONGENITAL DEAFNESS. Identifiers: Orphanet 231169, Orphanet 886, MedGen C1568247, MONDO:0010168, OMIM 276900.
Autosomal recessive nonsyndromic hearing loss 2. Also called: DEAFNESS, AUTOSOMAL RECESSIVE 2; NEUROSENSORY NONSYNDROMIC RECESSIVE DEAFNESS 2. Identifiers: Orphanet 90636, MedGen C1838701, MONDO:0010807, OMIM 600060.
Autosomal dominant nonsyndromic hearing loss 11. Identifiers: Orphanet 90635, MedGen C1832475, MONDO:0011032, OMIM 601317.
Usher syndrome type 1B (USH1B). Also called: Usher syndrome type IB. Identifiers: MedGen C1848638, MONDO:0700087.

Allele frequency attached by ClinVar (database versions not stated): TOPMed 0.00006; gnomAD 0.00007 and 0.00006; ExAC below 0.00001; gnomAD exomes 0.00001.
gnomAD v4.1: 16 of 1,570,436 alleles (0.001%); highest among the groups gnomAD compares: African/African-American, 0.014%; no homozygotes.

Submissions (9):

PreventionGenetics, part of Exact Sciences
Classification: Pathogenic for MYO7A-related condition. Last evaluated: 2026-09-25. Review status: criteria provided, single submitter. Criteria: ACMG Guidelines, 2015. Collection method: clinical testing. Allele origin: germline.
Comment: The MYO7A c.6028G>A variant is predicted to result in the amino acid substitution p.Asp2010Asn. This variant has been reported as causative for autosomal recessive Usher syndrome type 1 (Jacobson et al. 2009. PubMed ID: 19074810; Yoshimura et al. 2014. PubMed ID: 24618850; Zong et al. 2016. PubMed ID: 27729122; Table S1, Bonnet et al. 2016. PubMed ID: 27460420; Maia et al. 2020. PubMed ID: 33363762; Lin et al. 2020. PubMed ID: 32219829). Additionally, an alternate substitution of this amino acid residue (p.Asp2010Tyr) has been reported in the homozygous state in an individual with hearing loss and retinitis pigmentosa (Bazazzadegan et al. 2019. PubMed ID: 31850270). This variant is present in 0.0071% of alleles in individuals of Latino descent in gnomAD. This variant is interpreted as pathogenic.

Natera, Inc.
Classification: Pathogenic for Usher syndrome type 1B. Last evaluated: 2026-01-07. Review status: criteria provided, single submitter. Criteria: Natera Variant Classification Schema (03/2026). Collection method: clinical testing. Allele origin: germline.
Comment: The c.6028G>A variant in MYO7A is a missense variant predicted to cause substitution of aspartic acid to asparagine at amino acid 2010. This variant is rare in the general population with a frequency below the threshold expected for the associated phenotype(s). This variant has been observed in one or more individuals affected with the associated recessive disease, as either homozygous or compound heterozygous with a second variant (PMID: 31479088, 36729443). Computational prediction algorithms indicate this variant is likely to affect gene or protein function. Given the available evidence, this variant is classified as Pathogenic.

GeneDx
Classification: Pathogenic. Last evaluated: 2025-09-25. Review status: criteria provided, single submitter. Criteria: GeneDx Variant Classification Process June 2021. Collection method: clinical testing. Allele origin: germline. Affected: yes.
Comment: In silico analysis supports that this missense variant has a deleterious effect on protein structure/function; This variant is associated with the following publications: (PMID: 27610647, 33363762, 21873662, 19074810, 24618850, 32219829, 27729122, 31479088, 31964843, 36729443, 38987893)

Labcorp Genetics (formerly Invitae), Labcorp
Classification: Pathogenic. Last evaluated: 2024-11-10. Review status: criteria provided, single submitter. Criteria: Invitae Variant Classification Sherloc (09022015). Collection method: clinical testing. Allele origin: germline.
Comment: This sequence change replaces aspartic acid, which is acidic and polar, with asparagine, which is neutral and polar, at codon 2010 of the MYO7A protein (p.Asp2010Asn). The frequency data for this variant in the population databases is considered unreliable, as metrics indicate poor data quality at this position in the gnomAD database. This missense change has been observed in individual(s) with Usher syndrome (PMID: 19074810, 24618850, 27729122). In at least one individual the data is consistent with being in trans (on the opposite chromosome) from a pathogenic variant. It has also been observed to segregate with disease in related individuals. ClinVar contains an entry for this variant (Variation ID: 551533). Invitae Evidence Modeling of protein sequence and biophysical properties (such as structural, functional, and spatial information, amino acid conservation, physicochemical variation, residue mobility, and thermodynamic stability) has been performed for this missense variant. However, the output from this modeling did not meet the statistical confidence thresholds required to predict the impact of this variant on MYO7A protein function. For these reasons, this variant has been classified as Pathogenic.

Blueprint Genetics
Classification: Pathogenic for MYO7A-related disorders. Last evaluated: 2022-10-27. Review status: criteria provided, single submitter. Criteria: ACMG Guidelines, 2015. Collection method: clinical testing. Allele origin: germline. Affected: yes. Observed: 5 variant alleles.

Kariminejad - Najmabadi Pathology & Genetics Center
Classification: Likely pathogenic. Last evaluated: 2021-07-10. Review status: criteria provided, single submitter. Criteria: ACMG Guidelines, 2015. Collection method: clinical testing. Allele origin: germline. Affected: yes.

Fulgent Genetics
Classification: Pathogenic for Usher syndrome type 1; Autosomal recessive nonsyndromic hearing loss 2; Autosomal dominant nonsyndromic hearing loss 11. Last evaluated: 2018-10-31. Review status: criteria provided, single submitter. Criteria: ACMG Guidelines, 2015. Collection method: clinical testing. Allele origin: unknown.

Juno Genomics, Hangzhou Juno Genomics, Inc
Classification: Pathogenic for Autosomal dominant nonsyndromic hearing loss 11; Autosomal recessive nonsyndromic hearing loss 2; Usher syndrome type 1. Review status: criteria provided, single submitter. Criteria: ACMG Guidelines, 2015. Collection method: clinical testing. Allele origin: germline. Affected: yes.
Comment: Absent from controls (or at extremely low frequency if recessive) in Genome Aggregation Database, Exome Sequencing Project, 1000 Genomes Project, or Exome Aggregation Consortium.;Multiple lines of computational evidence support a deleterious effect on the gene or gene product (conservation, evolutionary, splicing impact, etc).;For recessive disorders, detected in trans with a pathogenic variant.

Counsyl
Classification: Likely pathogenic for Usher syndrome type 1; Autosomal recessive nonsyndromic hearing loss 2. Last evaluated: 2017-04-14. Review status: no assertion criteria provided. Collection method: clinical testing. Allele origin: unknown. Not counted in ClinVar's aggregate classification.

Literature cited by the submitters: PubMed 31479088 (cited by Natera, Inc.); PubMed 36729443 (cited by Natera, Inc.); PubMed 19074810 (cited by Labcorp Genetics (formerly Invitae), Labcorp and Counsyl); PubMed 24618850 (cited by Labcorp Genetics (formerly Invitae), Labcorp and Counsyl); PubMed 27729122 (cited by Labcorp Genetics (formerly Invitae), Labcorp and Counsyl); PubMed 27610647 (cited by Counsyl); PubMed 27460420 (cited by Counsyl).

NM_000260.4(MYO7A):c.6028G>A (p.Asp2010Asn)

Gene: MYO7A (myosin VIIA; plus strand). Cytogenetic location: 11q13.5.
Variant type: single nucleotide variant.
Coding change: c.6028G>A on transcript NM_000260.4 (MANE Select); coding-DNA position 6028, G replaced by A.
Protein change: p.Asp2010Asn; replaces aspartic acid 2010 with asparagine.
Molecular consequence: missense variant.
Genome position (GRCh38, 1-based): chr11:77,208,780, G>A. VCF-style: chr11-77208780-G-A. GRCh37 (hg19) VCF-style: chr11-76919825-G-A.
Other names: c.5914G>A, p.Asp1972Asn (NM_001127180.2); c.5881G>A, p.Asp1961Asn (NM_001369365.1); short protein forms D2010N, D1961N, D1972N.
Identifiers: ClinVar variation 551533 (VCV000551533.38), dbSNP rs755934966, ClinGen allele CA6198904.